The following is an entry in ClinVar:

NM_000059.4(BRCA2):c.6097A>C (p.Ile2033Leu)

Gene: BRCA2 (BRCA2 DNA repair associated; plus strand). Cytogenetic location: 13q13.1.
Variant type: single nucleotide variant.
Coding change: c.6097A>C on transcript NM_000059.4 (MANE Select); coding-DNA position 6097, A replaced by C.
Protein change: p.Ile2033Leu; replaces isoleucine 2033 with leucine.
Molecular consequence: missense variant.
Genome position (GRCh38, 1-based): chr13:32,340,452, A>C. VCF-style: chr13-32340452-A-C. GRCh37 (hg19) VCF-style: chr13-32914589-A-C.
Other names: short protein forms I2033L.
Identifiers: ClinVar variation 1497545 (VCV001497545.9), dbSNP rs772846629, ClinGen allele CA387788079.
Genomic context (GRCh38, chr13:32,340,452, plus strand): 5'-AAAGTATTGTTTAAAAGTAACGAACATTCAGACCAGCTCACAAGAGAAGAAAATACTGCT[A>C]TACGTACTCCAGAACATTTAATATCCCAAAAAGGCTTTTCATATAATGTGGTAAATTCAT-3'
Protein context (NP_000050.3, residues 2023-2043): DQLTREENTA[Ile2033Leu]RTPEHLISQK

ClinVar aggregate classification (germline): Conflicting classifications of pathogenicity. Review status: criteria provided, conflicting classifications (1 of 4 stars). 2 submissions from 2 submitters: Uncertain significance (1); Likely benign (1). Last evaluated 2023-03-23.

Conditions:
Hereditary cancer-predisposing syndrome. Also called: Tumor predisposition; Hereditary neoplastic syndrome; Neoplastic Syndromes, Hereditary; Hereditary Cancer Syndrome. Identifiers: Orphanet 140162, MedGen C0027672, MeSH D009386, MONDO:0015356.
Hereditary breast ovarian cancer syndrome. Also called: BRCA1- and BRCA2-Associated Hereditary Breast and Ovarian Cancer; Hereditary breast and ovarian cancer; Hereditary breast and/or ovarian cancer syndrome; Hereditary breast and ovarian cancer syndrome; Hereditary breast and ovarian cancer syndrome (HBOC); Breast and ovarian cancer. Identifiers: Orphanet 145, MedGen C0677776, MeSH D061325, MONDO:0003582. Disease mechanism: loss of function.

Submissions (2):

University of Washington Department of Laboratory Medicine, University of Washington
Classification: Likely benign for Hereditary cancer-predisposing syndrome. Last evaluated: 2023-03-23. Review status: criteria provided, single submitter. Criteria: Dines et al. (Genet Med. 2020). Collection method: curation. Allele origin: germline.
Comment: Missense variant in a coldspot region where missense variants are very unlikely to be pathogenic (PMID:31911673).

BRCA2 exon 11 coldspot. Reclassification based on statistical prior probability.

Labcorp Genetics (formerly Invitae), Labcorp
Classification: Uncertain significance for Hereditary breast ovarian cancer syndrome. Last evaluated: 2021-06-09. Review status: criteria provided, single submitter. Criteria: Invitae Variant Classification Sherloc (09022015). Collection method: clinical testing. Allele origin: germline.
Comment: This sequence change replaces isoleucine with leucine at codon 2033 of the BRCA2 protein (p.Ile2033Leu). The isoleucine residue is weakly conserved and there is a small physicochemical difference between isoleucine and leucine. This variant is not present in population databases (ExAC no frequency). This variant has not been reported in the literature in individuals with BRCA2-related conditions. Advanced modeling of protein sequence and biophysical properties (such as structural, functional, and spatial information, amino acid conservation, physicochemical variation, residue mobility, and thermodynamic stability) performed at Invitae indicates that this missense variant is not expected to disrupt BRCA2 protein function. In summary, the available evidence is currently insufficient to determine the role of this variant in disease. Therefore, it has been classified as a Variant of Uncertain Significance.